The following is an entry in ClinVar:

ClinVar aggregate classification (germline): Benign/Likely benign. Review status: criteria provided, multiple submitters, no conflicts (2 of 4 stars). 6 submissions from 6 submitters: Benign (2); Likely benign (4). Last evaluated 2025-12-22.

Conditions:
Hereditary cancer-predisposing syndrome. Also called: Hereditary Cancer Syndrome; Neoplastic Syndromes, Hereditary; Tumor predisposition; Hereditary neoplastic syndrome. Identifiers: Orphanet 140162, MedGen C0027672, MeSH D009386, MONDO:0015356.
Tuberous sclerosis syndrome (TSC). Also called: Tuberous sclerosis; Tuberous Sclerosis Complex. Identifiers: Orphanet 805, MedGen C0041341, MONDO:0001734.
Tuberous sclerosis 2 (TSC2). Identifiers: Orphanet 805, MedGen C1860707, MONDO:0013199, OMIM 613254.

Allele frequency attached by ClinVar (database versions not stated): gnomAD exomes below 0.00001; ExAC 0.00001.
gnomAD v4.1: 4 of 1,612,860 alleles (0.00025%); highest among the groups gnomAD compares: Admixed American, 0.0017%; no homozygotes.

Submissions (6):

Labcorp Genetics (formerly Invitae), Labcorp
Classification: Likely benign for Tuberous sclerosis 2. Last evaluated: 2025-12-22. Review status: criteria provided, single submitter. Criteria: Invitae Variant Classification Sherloc (09022015). Collection method: clinical testing. Allele origin: germline.

Myriad Genetics, Inc.
Classification: Benign for Tuberous sclerosis 2. Last evaluated: 2025-05-20. Review status: criteria provided, single submitter. Criteria: Myriad Autosomal Dominant, Autosomal Recessive and X-Linked Classification Criteria (2023). Collection method: clinical testing. Allele origin: unknown.
Comment: This variant is considered benign. This variant is a silent/synonymous amino acid change and it is not expected to impact splicing.

All of Us Research Program, National Institutes of Health
Classification: Likely benign for Tuberous sclerosis syndrome. Last evaluated: 2023-06-08. Review status: criteria provided, single submitter. Criteria: ACMG Guidelines, 2015. Collection method: clinical testing. Allele origin: germline. Inheritance: Autosomal dominant inheritance. Observed: 1 variant allele, 1 heterozygote.
Comment: This study involves interpretation of variants in research participants for the purpose of population health screening. Participant phenotype was not available at the time of variant classification. Additional details can be found in publication PMID: 35346344, PMCID: PMC8962531

Color Diagnostics, LLC DBA Color Health
Classification: Likely benign for Tuberous sclerosis syndrome. Last evaluated: 2023-05-24. Review status: criteria provided, single submitter. Criteria: ACMG Guidelines, 2015. Collection method: clinical testing. Allele origin: germline.

Genome-Nilou Lab
Classification: Benign for Tuberous sclerosis 2. Last evaluated: 2021-11-07. Review status: criteria provided, single submitter. Criteria: ACMG Guidelines, 2015. Collection method: clinical testing. Allele origin: germline. Affected: no.

Ambry Genetics
Classification: Likely benign for Hereditary cancer-predisposing syndrome. Last evaluated: 2015-05-13. Review status: criteria provided, single submitter. Criteria: Ambry Variant Classification Scheme 2023. Collection method: clinical testing. Allele origin: germline.

NM_000548.5(TSC2):c.2490C>T (p.Leu830=)

Gene: TSC2 (TSC complex subunit 2; plus strand). Cytogenetic location: 16p13.3.
Variant type: single nucleotide variant.
Coding change: c.2490C>T on transcript NM_000548.5 (MANE Select); coding-DNA position 2490, C replaced by T.
Protein change: p.Leu830=; no amino-acid change (leucine 830 retained).
Molecular consequence: synonymous variant.
Genome position (GRCh38, 1-based): chr16:2,074,334, C>T. VCF-style: chr16-2074334-C-T. GRCh37 (hg19) VCF-style: chr16-2124335-C-T.
Other names: c.2490C>T, p.Leu830= (NM_001077183.3, NM_001114382.3, NM_001363528.2 and 3 more transcripts); c.2379C>T, p.Leu793= (NM_001318827.2); c.2343C>T, p.Leu781= (NM_001318829.2); c.1890C>T, p.Leu630= (NM_001318831.2); c.2523C>T, p.Leu841= (NM_001318832.2).
Identifiers: ClinVar variation 231902 (VCV000231902.20), dbSNP rs768573698, ClinGen allele CA039236.
Genomic context (GRCh38, chr16:2,074,334, plus strand): 5'-CTGCAGCGTGGAGATGCCTGACATCATCATCAAGGCGCTGCCTGTTCTGGTGGTGAAGCT[C>T]ACGCACATCTCAGCCACAGCCAGCATGGCCGTCCCACTGCTGGAGTTCCTGTCCAGTGAG-3'
Protein context (NP_000539.2, residues 820-840): IKALPVLVVK[Leu830=]THISATASMA